The following is an entry in ClinVar:

NM_004279.3(PMPCB):c.986G>A (p.Gly329Glu)

Gene: PMPCB (peptidase, mitochondrial processing subunit beta; plus strand). Cytogenetic location: 7q22.1.
Variant type: single nucleotide variant.
Coding change: c.986G>A on transcript NM_004279.3 (MANE Select); coding-DNA position 986, G replaced by A.
Protein change: p.Gly329Glu; replaces glycine 329 with glutamic acid.
Molecular consequence: missense variant.
Genome position (GRCh38, 1-based): chr7:103,309,088, G>A. VCF-style: chr7-103309088-G-A. GRCh37 (hg19) VCF-style: chr7-102949535-G-A.
Other names: short protein forms G329E.
Identifiers: ClinVar variation 3377567 (VCV003377567.1).

ClinVar aggregate classification (germline): Uncertain significance (1 of 4 stars; one submission).

Conditions:
Multiple mitochondrial dysfunctions syndrome 6. Identifiers: Orphanet 569290, MedGen C4693741, MONDO:0054785, OMIM 617954.

gnomAD v4.1: 116 of 1,598,038 alleles (0.0073%); highest among the groups gnomAD compares: South Asian, 0.12%; no homozygotes.

Submission:

Neuberg Centre For Genomic Medicine, NCGM
Classification: Uncertain significance for Multiple mitochondrial dysfunctions syndrome 6. Review status: criteria provided, single submitter. Criteria: ACMG Guidelines, 2015. Collection method: clinical testing. Allele origin: germline. Inheritance: Autosomal recessive inheritance. Affected: yes.
Comment: The observed missense c.986G>A (p.Gly329Glu) variant in PMPCB gene has not been reported previously as a pathogenic variant nor as a benign variant, to our knowledge. The p.Gly329Glu variant has allele frequency 0.009% in gnomAD Exomes. This variant has not been submitted to the ClinVar database. Multiple lines of computational evidence (Polyphen - Probably damaging, SIFT – Damaging and Mutation Taster - Disease causing) predict a damaging effect on protein structure and function for this variant. The reference amino acid on PMPCB gene is predicted as conserved by GERP++ and PhyloP across 100 vertebrates. The amino acid Gly at position 329 is changed to a Glu changing protein sequence and it might alter its composition and physico-chemical properties. For these reasons, this variant has been classified as Variant of Uncertain Significance (VUS).